The following is an entry in ClinVar:

NC_000004.11:g.(?_128841785)_(128851992_?)dup

Gene: MFSD8 (major facilitator superfamily domain containing 8; minus strand). Cytogenetic location: 4q28.2.
Variant type: Duplication.
Identifiers: ClinVar variation 2427412 (VCV002427412.4).

ClinVar aggregate classification (germline): Uncertain significance (1 of 4 stars; one submission).

Conditions:
Neuronal ceroid lipofuscinosis 7 (CLN7). Also called: MFSD8-Related Neuronal Ceroid-Lipofuscinosis. Identifiers: Orphanet 168491, Orphanet 228366, MedGen C1838571, MONDO:0012588, OMIM 610951.

Submission:

Labcorp Genetics (formerly Invitae), Labcorp
Classification: Uncertain significance for Neuronal ceroid lipofuscinosis 7. Last evaluated: 2022-07-25. Review status: criteria provided, single submitter. Criteria: Invitae Variant Classification Sherloc (09022015). Collection method: clinical testing. Allele origin: germline.
Comment: This variant has not been reported in the literature in individuals affected with MFSD8-related conditions. This variant results in a copy number gain of the genomic region encompassing exon(s) 10-13 of the MFSD8 gene. This region includes the termination codon of the gene. This copy number gain extends beyond the assayed region for this gene and therefore may encompass additional genes. As the precise location of this event is unknown, it may be in tandem or it may be located elsewhere in the genome. Experimental studies and prediction algorithms are not available or were not evaluated, and the functional significance of this variant is currently unknown. In summary, the available evidence is currently insufficient to determine the role of this variant in disease. Therefore, it has been classified as a Variant of Uncertain Significance.